The following is an entry in ClinVar:

NM_020800.3(IFT80):c.1297G>A (p.Asp433Asn)

Genes: IFT80 (intraflagellar transport 80; minus strand), TRIM59-IFT80 (TRIM59-IFT80 readthrough (NMD candidate); minus strand). Cytogenetic location: 3q25.33.
Variant type: single nucleotide variant.
Coding change: c.1297G>A on transcript NM_020800.3 (MANE Select); coding-DNA position 1297, G replaced by A.
Protein change: p.Asp433Asn; replaces aspartic acid 433 with asparagine.
Molecular consequence: missense variant. On other transcripts: non-coding transcript variant (3).
Genome position (GRCh38, 1-based): chr3:160,300,901, C>T on the plus strand (G>A on the coding strand, the complement: IFT80 is on the minus strand). VCF-style: chr3-160300901-C-T. GRCh37 (hg19) VCF-style: chr3-160018689-C-T.
Other names: c.886G>A, p.Asp296Asn (NM_001190241.2, NM_001190242.2); short protein forms D433N, D296N.
Identifiers: ClinVar variation 1394431 (VCV001394431.1), dbSNP rs527756323, ClinGen allele CA355193513.

ClinVar aggregate classification (germline): Uncertain significance (1 of 4 stars; one submission).

Conditions:
Jeune thoracic dystrophy. Also called: Jeune syndrome; Infantile thoracic dystrophy; Thoracic pelvic phalangeal dystrophy; Jeune's syndrome; Chondroectodermal dysplasia-like syndrome; Short-rib thoracic dysplasia. Identifiers: Orphanet 474, MedGen C0265275, MONDO:0018770.

Allele frequency attached by ClinVar (database versions not stated): TOPMed below 0.00001.

Submission:

Labcorp Genetics (formerly Invitae), Labcorp
Classification: Uncertain significance for Jeune thoracic dystrophy. Last evaluated: 2021-11-22. Review status: criteria provided, single submitter. Criteria: Invitae Variant Classification Sherloc (09022015). Collection method: clinical testing. Allele origin: germline.
Comment: This sequence change replaces aspartic acid, which is acidic and polar, with asparagine, which is neutral and polar, at codon 433 of the IFT80 protein (p.Asp433Asn). This variant is not present in population databases (gnomAD no frequency). This variant has not been reported in the literature in individuals affected with IFT80-related conditions. Algorithms developed to predict the effect of missense changes on protein structure and function are either unavailable or do not agree on the potential impact of this missense change (SIFT: "Deleterious"; PolyPhen-2: "Probably Damaging"; Align-GVGD: "Class C15"). In summary, the available evidence is currently insufficient to determine the role of this variant in disease. Therefore, it has been classified as a Variant of Uncertain Significance.